The following is an entry in ClinVar:

ClinVar aggregate classification (germline): Uncertain significance (1 of 4 stars; one submission).

Conditions:
WASF1-related disorder. Also called: WASF1-related condition.

Submission:

PreventionGenetics, part of Exact Sciences
Classification: Uncertain significance for WASF1-related condition. Last evaluated: 2025-09-22. Review status: criteria provided, single submitter. Criteria: ACMG Guidelines, 2015. Collection method: clinical testing. Allele origin: germline.
Comment: The WASF1 c.1480A>G variant is predicted to result in the amino acid substitution p.Ile494Val. To our knowledge, this variant has not been reported in the literature or in a large population database (gnomAD), indicating this variant is rare. At this time, the clinical significance of this variant is uncertain due to the absence of conclusive functional and genetic evidence.

NM_003931.3(WASF1):c.1480A>G (p.Ile494Val)

Gene: WASF1 (WASP family member 1; minus strand). Cytogenetic location: 6q21.
Variant type: single nucleotide variant.
Coding change: c.1480A>G on transcript NM_003931.3 (MANE Select); coding-DNA position 1480, A replaced by G.
Protein change: p.Ile494Val; replaces isoleucine 494 with valine.
Molecular consequence: missense variant.
Genome position (GRCh38, 1-based): chr6:110,101,630, T>C on the plus strand (A>G on the coding strand, the complement: WASF1 is on the minus strand). VCF-style: chr6-110101630-T-C. GRCh37 (hg19) VCF-style: chr6-110422833-T-C.
Other names: c.1480A>G, p.Ile494Val (NM_001024934.2, NM_001024935.2, NM_001024936.2); short protein forms I494V.
Identifiers: ClinVar variation 3350043 (VCV003350043.2).
Genomic context (GRCh38, chr6:110,101,630, plus strand): 5'-TGGAGCTGAGAAAATTACCTTTTCGTATTGCTTCCAGTAGCACACTCCTGGCATCACTGA[T>C]TACAGGTAGGGTTGATGGATGGCGCTTTGGCTCAGAAGCAGGTATAACTTGTGATGGAGG-3'
Protein context (NP_003922.1, residues 484-504): PKRHPSTLPV[Ile494Val]SDARSVLLEA